The following is an entry in ClinVar:

NM_199069.2(NDUFAF3):c.47C>T (p.Ser16Leu)

Genes: NDUFAF3 (NADH:ubiquinone oxidoreductase complex assembly factor 3; plus strand), LOC129936729 (ATAC-STARR-seq lymphoblastoid silent region 14349; plus strand). Cytogenetic location: 3p21.31.
Variant type: single nucleotide variant.
Coding change: c.47C>T on transcript NM_199069.2 (MANE Select); coding-DNA position 47, C replaced by T.
Protein change: p.Ser16Leu; replaces serine 16 with leucine.
Molecular consequence: missense variant. On other transcripts: intron variant (3).
Genome position (GRCh38, 1-based): chr3:49,022,191, C>T. VCF-style: chr3-49022191-C-T. GRCh37 (hg19) VCF-style: chr3-49059624-C-T.
Other names: c.-94-155C>T (NM_199074.2, NM_199073.2, NM_199070.2); short protein forms S16L.
Identifiers: ClinVar variation 4074461 (VCV004074461.2).

ClinVar aggregate classification (germline): Uncertain significance. Review status: criteria provided, multiple submitters, no conflicts (2 of 4 stars). 2 submissions from 2 submitters: Uncertain significance (2). Last evaluated 2025-11-05.

Conditions:
Inborn genetic diseases. Identifiers: MedGen C0950123, MeSH D030342.

gnomAD v4.1: 43 of 1,610,642 alleles (0.0027%); highest among the groups gnomAD compares: Non-Finnish European, 0.0036%; no homozygotes.

Submissions (2):

Ambry Genetics
Classification: Uncertain significance for Inborn genetic diseases. Last evaluated: 2025-11-05. Review status: criteria provided, single submitter. Criteria: Ambry Variant Classification Scheme 2023. Collection method: clinical testing. Allele origin: germline.

GeneDx
Classification: Uncertain significance. Last evaluated: 2025-02-05. Review status: criteria provided, single submitter. Criteria: GeneDx Variant Classification Process June 2021. Collection method: clinical testing. Allele origin: germline. Affected: yes.
Comment: Not observed at significant frequency in large population cohorts (gnomAD); In silico analysis indicates that this missense variant does not alter protein structure/function; Has not been previously published as pathogenic or benign to our knowledge